The following is an entry in ClinVar:

NM_000186.4(CFH):c.1756C>T (p.Gln586Ter)

Gene: CFH (complement factor H; plus strand). Cytogenetic location: 1q31.3.
Variant type: single nucleotide variant.
Coding change: c.1756C>T on transcript NM_000186.4 (MANE Select); coding-DNA position 1756, C replaced by T.
Protein change: p.Gln586Ter; replaces glutamine 586 with a stop codon.
Molecular consequence: nonsense.
Genome position (GRCh38, 1-based): chr1:196,725,180, C>T. VCF-style: chr1-196725180-C-T. GRCh37 (hg19) VCF-style: chr1-196694310-C-T.
Other names: short protein forms Q586*.
Identifiers: ClinVar variation 4291419 (VCV004291419.2).
Genomic context (GRCh38, chr1:196,725,180, plus strand): 5'-GAAAGAGAATGCGAACTTCCTAAAATAGATGTACACTTAGTTCCTGATCGCAAGAAAGAC[C>T]AGTATAAAGTTGGAGAGGTGTTGAAATTCTCCTGCAAACCAGGATTTACAATAGTTGGAC-3'

ClinVar aggregate classification (germline): Pathogenic. Review status: criteria provided, multiple submitters, no conflicts (2 of 4 stars). 2 submissions from 2 submitters: Pathogenic (2). Last evaluated 2025-12-03.

Conditions:
Atypical hemolytic-uremic syndrome. Identifiers: Orphanet 2134, MedGen C2931788, MONDO:0016244.

gnomAD v4.1: 1 of 1,613,702 alleles (0.000062%); no homozygotes.

Submissions (2):

Dasa
Classification: Pathogenic. Last evaluated: 2025-12-03. Review status: criteria provided, single submitter. Criteria: DASA Assertion Criteria. Collection method: clinical testing. Allele origin: germline.
Comment: NM_000186.4(CFH):c.1756C>T (p.Gln586*) introduces a premature termination codon predicted to result in loss of normal protein function. Loss-of-function is an established mechanism of disease for this gene. This variant has been observed in affected individuals with related phenotype in a genotype context consistent with recessive disease (PMID: 33841858; PMID: 33387344). This variant has been recurrently observed in individuals with related phenotype (PMID: 33841858; PMID: 33387344). The variant is present at low frequency in population datasets. Based on the available data, this variant is classified as pathogenic.

Genomenon, Inc
Classification: Pathogenic for Atypical hemolytic-uremic syndrome. Last evaluated: 2025-10-02. Review status: criteria provided, single submitter. Criteria: Genomenon Sequence Variant Interpretation Standards - Updated. Collection method: curation. Allele origin: germline. Affected: yes.
Comment: CFH p.Gln586Ter (c.1756C>T) is a nonsense variant that introduces a premature stop codon at amino acid position 586, creating a truncated protein that is predicted to undergo nonsense-mediated mRNA decay. This variant has been observed in at least one proband affected with atypical hemolytic-uremic syndrome (PMID:33387344;33841858). The variant was found to segregate with disease in at least one affected family (PMID:33841858). It is absent or not present at a significant frequency in gnomAD. In conclusion, we classify CFH p.Gln586Ter (c.1756C>T) as a pathogenic variant.

Literature cited by the submitters: PubMed 33841858 (cited by Dasa and Genomenon, Inc); PubMed 33387344 (cited by Dasa and Genomenon, Inc).